The following is an entry in ClinVar:

NM_000377.3(WAS):c.1382A>C (p.Gln461Pro)

Gene: WAS (WASP actin nucleation promoting factor; plus strand). Cytogenetic location: Xp11.23.
Variant type: single nucleotide variant.
Coding change: c.1382A>C on transcript NM_000377.3 (MANE Select); coding-DNA position 1382, A replaced by C.
Protein change: p.Gln461Pro; replaces glutamine 461 with proline.
Molecular consequence: missense variant.
Genome position (GRCh38, 1-based): chrX:48,689,363, A>C. VCF-style: chrX-48689363-A-C. GRCh37 (hg19) VCF-style: chrX-48547752-A-C.
Other names: c.1226A>C, p.Gln409Pro (NM_001438876.1, NM_001438878.1); c.1382A>C, p.Gln461Pro (NM_001438877.1, NM_001438879.1); short protein forms Q461P, Q409P.
Identifiers: ClinVar variation 4792945 (VCV004792945.1).

ClinVar aggregate classification (germline): Uncertain significance (1 of 4 stars; one submission).

Conditions:
Wiskott-Aldrich syndrome (WAS). Also called: ALDRICH SYNDROME; IMMUNODEFICIENCY 2; WISKOTT-ALDRICH SYNDROME 1; Wiskott-aldrich syndrome, somatic. Identifiers: Orphanet 906, MedGen C0043194, MONDO:0010518, OMIM 301000.
X-linked severe congenital neutropenia (SCNX). Identifiers: Orphanet 86788, MedGen C1845987, MONDO:0010294, OMIM 300299.
Thrombocytopenia 1. Also called: THROMBOCYTOPENIA, X-LINKED, 1; X-Linked Thrombocytopenia (XLT); X-linked thrombocytopenia with normal platelets. Identifiers: Orphanet 268322, Orphanet 852, MedGen C1839163, MONDO:0010743, OMIM 313900.

Submission:

Labcorp Genetics (formerly Invitae), Labcorp
Classification: Uncertain significance for Wiskott-Aldrich syndrome; X-linked severe congenital neutropenia; Thrombocytopenia 1. Last evaluated: 2025-11-19. Review status: criteria provided, single submitter. Criteria: Invitae Variant Classification Sherloc (09022015). Collection method: clinical testing. Allele origin: germline.
Comment: This sequence change replaces glutamine, which is neutral and polar, with proline, which is neutral and non-polar, at codon 461 of the WAS protein (p.Gln461Pro). This variant is not present in population databases (gnomAD no frequency). This variant has not been reported in the literature in individuals affected with WAS-related conditions. An algorithm developed to predict the effect of missense changes on protein structure and function outputs the following: PolyPhen-2: "Not Available". The proline amino acid residue is found in multiple mammalian species, which suggests that this missense change does not adversely affect protein function. In summary, the available evidence is currently insufficient to determine the role of this variant in disease. Therefore, it has been classified as a Variant of Uncertain Significance.